The following is an entry in ClinVar:

NM_000202.8(IDS):c.101C>A (p.Thr34Lys)

Gene: IDS (iduronate 2-sulfatase; minus strand). Cytogenetic location: Xq28.
Variant type: single nucleotide variant.
Coding change: c.101C>A on transcript NM_000202.8 (MANE Select); coding-DNA position 101, C replaced by A.
Protein change: p.Thr34Lys; replaces threonine 34 with lysine.
Molecular consequence: missense variant. On other transcripts: 5 prime UTR variant (1), non-coding transcript variant (1).
Genome position (GRCh38, 1-based): chrX:149,505,037, G>T on the plus strand (C>A on the coding strand, the complement: IDS is on the minus strand). VCF-style: chrX-149505037-G-T. GRCh37 (hg19) VCF-style: chrX-148586567-G-T.
Other names: c.-126C>A (NM_001166550.4); c.101C>A, p.Thr34Lys (NM_006123.5); short protein forms T34K.
Identifiers: ClinVar variation 2961813 (VCV002961813.3), dbSNP rs1156672457, ClinGen allele CA414528125.

ClinVar aggregate classification (germline): Uncertain significance (1 of 4 stars; one submission).

Conditions:
Mucopolysaccharidosis, MPS-II (MPS2). Also called: Mucopolysaccharidosis with skin involvement; Attenuated MPS (subtype; formerly known as mild MPS II); Severe MPS II; I2S deficiency; MPS 2; Hunter Syndrome. Identifiers: Orphanet 580, Orphanet 79388, MedGen C0026705, MONDO:0010674, OMIM 309900.

Submission:

Labcorp Genetics (formerly Invitae), Labcorp
Classification: Uncertain significance for Mucopolysaccharidosis, MPS-II. Last evaluated: 2024-05-06. Review status: criteria provided, single submitter. Criteria: Invitae Variant Classification Sherloc (09022015). Collection method: clinical testing. Allele origin: germline.
Comment: This sequence change replaces threonine, which is neutral and polar, with lysine, which is basic and polar, at codon 34 of the IDS protein (p.Thr34Lys). This variant is not present in population databases (gnomAD no frequency). This variant has not been reported in the literature in individuals affected with IDS-related conditions. Algorithms developed to predict the effect of missense changes on protein structure and function output the following: SIFT: "Not Available"; PolyPhen-2: "Benign"; Align-GVGD: "Not Available". The lysine amino acid residue is found in multiple mammalian species, which suggests that this missense change does not adversely affect protein function. In summary, the available evidence is currently insufficient to determine the role of this variant in disease. Therefore, it has been classified as a Variant of Uncertain Significance.